The following is an entry in ClinVar:

ClinVar aggregate classification (germline): Uncertain significance (1 of 4 stars; one submission).

Conditions:
Adenylosuccinate lyase deficiency (ADSLD). Also called: ADSL DEFICIENCY. Identifiers: Orphanet 46, MedGen C0268126, MONDO:0007068, OMIM 103050.

Submission:

Labcorp Genetics (formerly Invitae), Labcorp
Classification: Uncertain significance for Adenylosuccinate lyase deficiency. Last evaluated: 2022-09-07. Review status: criteria provided, single submitter. Criteria: Invitae Variant Classification Sherloc (09022015). Collection method: clinical testing. Allele origin: germline.
Comment: This sequence change affects codon 206 of the ADSL mRNA. It is a 'silent' change, meaning that it does not change the encoded amino acid sequence of the ADSL protein. This variant is not present in population databases (gnomAD no frequency). In summary, the available evidence is currently insufficient to determine the role of this variant in disease. Therefore, it has been classified as a Variant of Uncertain Significance. Algorithms developed to predict the effect of sequence changes on RNA splicing suggest that this variant may create or strengthen a splice site. This variant has not been reported in the literature in individuals affected with ADSL-related conditions.

NM_000026.4(ADSL):c.618C>T (p.Ala206=)

Gene: ADSL (adenylosuccinate lyase; plus strand). Cytogenetic location: 22q13.1.
Variant type: single nucleotide variant.
Coding change: c.618C>T on transcript NM_000026.4 (MANE Select); coding-DNA position 618, C replaced by T.
Protein change: p.Ala206=; no amino-acid change (alanine 206 retained).
Molecular consequence: synonymous variant. On other transcripts: non-coding transcript variant (1).
Genome position (GRCh38, 1-based): chr22:40,358,999, C>T. VCF-style: chr22-40358999-C-T. GRCh37 (hg19) VCF-style: chr22-40755003-C-T.
Other names: c.618C>T, p.Ala206= (NM_001123378.3, NM_001363840.3, NM_001410812.1 and 1 more transcripts); c.426C>T, p.Ala142= (NM_001317923.2); c.573C>T, p.Ala191= (NM_001410814.1).
Identifiers: ClinVar variation 2092588 (VCV002092588.4), dbSNP rs2518112195, ClinGen allele CA514614693.